The following is an entry in ClinVar:

ClinVar aggregate classification (germline): Uncertain significance (1 of 4 stars; one submission).

gnomAD v4.1: 3 of 1,517,304 alleles (0.0002%); highest among the groups gnomAD compares: Middle Eastern, 0.017%; no homozygotes.

Submission:

CeGaT Center for Human Genetics Tuebingen
Classification: Uncertain significance. Last evaluated: 2023-01-01. Review status: criteria provided, single submitter. Criteria: CeGaT Center For Human Genetics Tuebingen Variant Classification Criteria Version 2. Collection method: clinical testing. Allele origin: germline. Affected: yes. Observed: 1 variant allele.
Comment: NOBOX: PM2

NM_001436401.1(NOBOX):c.892C>G (p.Pro298Ala)

Gene: NOBOX (NOBOX oogenesis homeobox; minus strand). Cytogenetic location: 7q35.
Variant type: single nucleotide variant.
Coding change: c.892C>G on transcript NM_001436401.1 (MANE Select); coding-DNA position 892, C replaced by G.
Protein change: p.Pro298Ala; replaces proline 298 with alanine.
Molecular consequence: missense variant.
Genome position (GRCh38, 1-based): chr7:144,399,176, G>C on the plus strand (C>G on the coding strand, the complement: NOBOX is on the minus strand). VCF-style: chr7-144399176-G-C. GRCh37 (hg19) VCF-style: chr7-144096269-G-C.
Other names: c.340C>G, p.Pro114Ala (NM_001436402.1); short protein forms P114A, P298A.
Identifiers: ClinVar variation 2658132 (VCV002658132.24), dbSNP rs776609191, ClinGen allele CA369697871.
Genomic context (GRCh38, chr7:144,399,176, plus strand): 5'-GAGCACCCTCACTGGGTTGGGTGGGGGCCAAAGTCTGGTCAGAAGTCAGCAGCATGGGGG[G>C]CTCTAGGAACAGAAGGCAAAGAGGTGCTATAACGGTAAGGAAATGGGAGGCAGGTTTGGC-3'
Protein context (NP_001423330.1, residues 288-308): QESPLDTFPE[Pro298Ala]PMLLTSDQTL